The following is an entry in ClinVar:

NM_003238.6(TGFB2):c.440C>T (p.Ala147Val)

Gene: TGFB2 (transforming growth factor beta 2; plus strand). Cytogenetic location: 1q41.
Variant type: single nucleotide variant.
Coding change: c.440C>T on transcript NM_003238.6 (MANE Select); coding-DNA position 440, C replaced by T.
Protein change: p.Ala147Val; replaces alanine 147 with valine.
Molecular consequence: missense variant. On other transcripts: non-coding transcript variant (2).
Genome position (GRCh38, 1-based): chr1:218,405,262, C>T. VCF-style: chr1-218405262-C-T. GRCh37 (hg19) VCF-style: chr1-218578604-C-T.
Other names: c.524C>T, p.Ala175Val (NM_001135599.4); short protein forms A147V, A175V.
Identifiers: ClinVar variation 4739166 (VCV004739166.1).

ClinVar aggregate classification (germline): Uncertain significance (1 of 4 stars; one submission).

Conditions:
Loeys-Dietz syndrome 4 (LDS4). Also called: ANEURYSM, AORTIC AND CEREBRAL, WITH ARTERIAL TORTUOSITY AND SKELETAL MANIFESTATIONS; TGFB2-Related Loeys-Dietz Syndrome. Identifiers: MedGen C3553762, MONDO:0013897, OMIM 614816.

Submission:

Labcorp Genetics (formerly Invitae), Labcorp
Classification: Uncertain significance for Loeys-Dietz syndrome 4. Last evaluated: 2025-07-14. Review status: criteria provided, single submitter. Criteria: Invitae Variant Classification Sherloc (09022015). Collection method: clinical testing. Allele origin: germline.
Comment: This sequence change replaces alanine, which is neutral and non-polar, with valine, which is neutral and non-polar, at codon 147 of the TGFB2 protein (p.Ala147Val). This variant is not present in population databases (gnomAD no frequency). This variant has not been reported in the literature in individuals affected with TGFB2-related conditions. Invitae Evidence Modeling of protein sequence and biophysical properties (such as structural, functional, and spatial information, amino acid conservation, physicochemical variation, residue mobility, and thermodynamic stability) indicates that this missense variant is not expected to disrupt TGFB2 protein function with a negative predictive value of 80%. In summary, the available evidence is currently insufficient to determine the role of this variant in disease. Therefore, it has been classified as a Variant of Uncertain Significance.